The following is an entry in ClinVar:

ClinVar aggregate classification (germline): Uncertain significance (1 of 4 stars; one submission).

Conditions:
Hypertrophic cardiomyopathy. Also called: HYPERTROPHIC MYOCARDIOPATHY. Identifiers: Orphanet 217569, MedGen C0007194, MeSH D002312, MONDO:0005045, HP:0001639.

Submission:

Labcorp Genetics (formerly Invitae), Labcorp
Classification: Uncertain significance for Hypertrophic cardiomyopathy. Last evaluated: 2023-07-28. Review status: criteria provided, single submitter. Criteria: Invitae Variant Classification Sherloc (09022015). Collection method: clinical testing. Allele origin: germline.
Comment: This variant has not been reported in the literature in individuals affected with MYH7-related conditions. Advanced modeling of protein sequence and biophysical properties (such as structural, functional, and spatial information, amino acid conservation, physicochemical variation, residue mobility, and thermodynamic stability) has been performed at Invitae for this missense variant, however the output from this modeling did not meet the statistical confidence thresholds required to predict the impact of this variant on MYH7 protein function. In summary, the available evidence is currently insufficient to determine the role of this variant in disease. Therefore, it has been classified as a Variant of Uncertain Significance. This variant is not present in population databases (gnomAD no frequency). This sequence change replaces valine, which is neutral and non-polar, with methionine, which is neutral and non-polar, at codon 1899 of the MYH7 protein (p.Val1899Met).

NM_000257.4(MYH7):c.5695G>A (p.Val1899Met)

Gene: MYH7 (myosin heavy chain 7; minus strand). Cytogenetic location: 14q11.2.
Variant type: single nucleotide variant.
Coding change: c.5695G>A on transcript NM_000257.4 (MANE Select); coding-DNA position 5695, G replaced by A.
Protein change: p.Val1899Met; replaces valine 1899 with methionine.
Molecular consequence: missense variant.
Genome position (GRCh38, 1-based): chr14:23,413,854, C>T on the plus strand (G>A on the coding strand, the complement: MYH7 is on the minus strand). VCF-style: chr14-23413854-C-T. GRCh37 (hg19) VCF-style: chr14-23883063-C-T.
Other names: c.5695G>A, p.Val1899Met (NM_001407004.1); short protein forms V1899M.
Identifiers: ClinVar variation 2747532 (VCV002747532.3), dbSNP rs2502233309, ClinGen allele CA389034671.